The following is an entry in ClinVar:

NM_022098.4(XPNPEP3):c.145C>T (p.Pro49Ser)

Gene: XPNPEP3 (X-prolyl aminopeptidase 3; plus strand). Cytogenetic location: 22q13.2.
Variant type: single nucleotide variant.
Coding change: c.145C>T on transcript NM_022098.4 (MANE Select); coding-DNA position 145, C replaced by T.
Protein change: p.Pro49Ser; replaces proline 49 with serine.
Molecular consequence: missense variant.
Genome position (GRCh38, 1-based): chr22:40,869,079, C>T. VCF-style: chr22-40869079-C-T. GRCh37 (hg19) VCF-style: chr22-41265083-C-T.
Other names: p.Pro49Ser; short protein forms P49S.
Identifiers: ClinVar variation 3380723 (VCV003380723.1).

ClinVar aggregate classification (germline): Uncertain significance (1 of 4 stars; one submission).

Submission:

Mayo Clinic Laboratories, Mayo Clinic
Classification: Uncertain significance. Last evaluated: 2023-11-03. Review status: criteria provided, single submitter. Criteria: ACMG Guidelines, 2015. Collection method: clinical testing. Allele origin: germline. Observed: 1 variant allele.
Comment: PM2_moderate